The following is an entry in ClinVar:

ClinVar aggregate classification (germline): Uncertain significance. Review status: criteria provided, multiple submitters, no conflicts (2 of 4 stars). 2 submissions from 2 submitters: Uncertain significance (2). Last evaluated 2026-04-15.

Conditions:
Inborn genetic diseases. Identifiers: MedGen C0950123, MeSH D030342.
Epileptic encephalopathy. Identifiers: MedGen C0543888, HP:0200134.

Submissions (2):

Ambry Genetics
Classification: Uncertain significance for Inborn genetic diseases. Last evaluated: 2026-04-15. Review status: criteria provided, single submitter. Criteria: Ambry Variant Classification Scheme 2023. Collection method: clinical testing. Allele origin: germline.
Comment: The c.2002A>G (p.M668V) alteration is located in exon 14 (coding exon 14) of the GABBR2 gene. This alteration results from an A to G substitution at nucleotide position 2002, causing the methionine (M) at amino acid position 668 to be replaced by a valine (V). This variant was not reported in population-based cohorts in the Genome Aggregation Database (gnomAD). This amino acid position is highly conserved in available vertebrate species. This alteration is predicted to be deleterious by in silico analysis. Based on insufficient or conflicting evidence, the clinical significance of this alteration remains unclear.

Labcorp Genetics (formerly Invitae), Labcorp
Classification: Uncertain significance for Epileptic encephalopathy. Last evaluated: 2021-04-18. Review status: criteria provided, single submitter. Criteria: Invitae Variant Classification Sherloc (09022015). Collection method: clinical testing. Allele origin: germline.
Comment: In summary, the available evidence is currently insufficient to determine the role of this variant in disease. Therefore, it has been classified as a Variant of Uncertain Significance. Algorithms developed to predict the effect of missense changes on protein structure and function are either unavailable or do not agree on the potential impact of this missense change (SIFT: "Deleterious"; PolyPhen-2: "Benign"; Align-GVGD: "Class C15"). This variant has been observed in individual(s) with clinical features of GABBR2-related conditions (Invitae). This variant is not present in population databases (ExAC no frequency). This sequence change replaces methionine with valine at codon 668 of the GABBR2 protein (p.Met668Val). The methionine residue is highly conserved and there is a small physicochemical difference between methionine and valine.

NM_005458.8(GABBR2):c.2002A>G (p.Met668Val)

Gene: GABBR2 (gamma-aminobutyric acid type B receptor subunit 2; minus strand). Cytogenetic location: 9q22.33.
Variant type: single nucleotide variant.
Coding change: c.2002A>G on transcript NM_005458.8 (MANE Select); coding-DNA position 2002, A replaced by G.
Protein change: p.Met668Val; replaces methionine 668 with valine.
Molecular consequence: missense variant.
Genome position (GRCh38, 1-based): chr9:98,311,097, T>C on the plus strand (A>G on the coding strand, the complement: GABBR2 is on the minus strand). VCF-style: chr9-98311097-T-C. GRCh37 (hg19) VCF-style: chr9-101073379-T-C.
Other names: c.2002A>G (NM_005458.7); short protein forms M668V.
Identifiers: ClinVar variation 1463017 (VCV001463017.9), dbSNP rs2131361931, ClinGen allele CA374203099.
Genomic context (GRCh38, chr9:98,311,097, plus strand): 5'-GACAGAGGCCCAACAAAGAAGTGTCCCCCCTCAACACTGTCTCCTGCTCTGCACCTACCA[T>C]GAGAAGTCCCTTGTAGGCATAGACGATGCCAAGCCAGATGGTCATATGGGTGTTCTCACA-3'
Protein context (NP_005449.5, residues 658-678): GIVYAYKGLL[Met668Val]LFGCFLAWET